The following is an entry in ClinVar:

ClinVar aggregate classification (germline): Conflicting classifications of pathogenicity. Review status: criteria provided, conflicting classifications (1 of 4 stars). 2 submissions from 2 submitters: Uncertain significance (1); Likely benign (1). Last evaluated 2023-03-23.

Conditions:
Hereditary cancer-predisposing syndrome. Also called: Neoplastic Syndromes, Hereditary; Tumor predisposition; Hereditary neoplastic syndrome; Hereditary Cancer Syndrome. Identifiers: Orphanet 140162, MedGen C0027672, MeSH D009386, MONDO:0015356.
Hereditary breast ovarian cancer syndrome. Also called: Hereditary breast and ovarian cancer; Hereditary breast and/or ovarian cancer syndrome; BRCA1- and BRCA2-Associated Hereditary Breast and Ovarian Cancer; Hereditary breast and ovarian cancer syndrome; Hereditary breast and ovarian cancer syndrome (HBOC); Breast and ovarian cancer. Identifiers: Orphanet 145, MedGen C0677776, MeSH D061325, MONDO:0003582. Disease mechanism: loss of function.

Submissions (2):

University of Washington Department of Laboratory Medicine, University of Washington
Classification: Likely benign for Hereditary cancer-predisposing syndrome. Last evaluated: 2023-03-23. Review status: criteria provided, single submitter. Criteria: Dines et al. (Genet Med. 2020). Collection method: curation. Allele origin: germline.
Comment: Missense variant in a coldspot region where missense variants are very unlikely to be pathogenic (PMID:31911673).

BRCA2 exon 11 coldspot. Reclassification based on statistical prior probability.

Labcorp Genetics (formerly Invitae), Labcorp
Classification: Uncertain significance for Hereditary breast ovarian cancer syndrome. Last evaluated: 2021-05-09. Review status: criteria provided, single submitter. Criteria: Invitae Variant Classification Sherloc (09022015). Collection method: clinical testing. Allele origin: germline.
Comment: This variant is not present in population databases (ExAC no frequency). This sequence change replaces methionine with valine at codon 1300 of the BRCA2 protein (p.Met1300Val). The methionine residue is weakly conserved and there is a small physicochemical difference between methionine and valine. This variant has not been reported in the literature in individuals with BRCA2-related conditions. Advanced modeling of protein sequence and biophysical properties (such as structural, functional, and spatial information, amino acid conservation, physicochemical variation, residue mobility, and thermodynamic stability) performed at Invitae indicates that this missense variant is not expected to disrupt BRCA2 protein function. In summary, the available evidence is currently insufficient to determine the role of this variant in disease. Therefore, it has been classified as a Variant of Uncertain Significance. Algorithms developed to predict the effect of sequence changes on RNA splicing suggest that this variant may create or strengthen a splice site, but this prediction has not been confirmed by published transcriptional studies.

NM_000059.4(BRCA2):c.3898A>G (p.Met1300Val)

Gene: BRCA2 (BRCA2 DNA repair associated; plus strand). Cytogenetic location: 13q13.1.
Variant type: single nucleotide variant.
Coding change: c.3898A>G on transcript NM_000059.4 (MANE Select); coding-DNA position 3898, A replaced by G.
Protein change: p.Met1300Val; replaces methionine 1300 with valine.
Molecular consequence: missense variant.
Genome position (GRCh38, 1-based): chr13:32,338,253, A>G. VCF-style: chr13-32338253-A-G. GRCh37 (hg19) VCF-style: chr13-32912390-A-G.
Other names: short protein forms M1300V.
Identifiers: ClinVar variation 1366969 (VCV001366969.9), dbSNP rs2137501041, ClinGen allele CA387778785.